The following is an entry in ClinVar:

ClinVar aggregate classification (germline): Likely benign (1 of 4 stars; one submission).

Allele frequency attached by ClinVar (database versions not stated): 1000 Genomes Project 0.00060; 1000 Genomes Project 30x 0.00062; gnomAD 0.00108; TOPMed 0.00108; ESP Exome Variant Server 0.00138; ExAC 0.00152; gnomAD exomes 0.00164.
gnomAD v4.1: 2,540 of 1,614,036 alleles (0.16%); highest among the groups gnomAD compares: Non-Finnish European, 0.19%; 3 homozygotes.

Submission:

CeGaT Center for Human Genetics Tuebingen
Classification: Likely benign. Last evaluated: 2023-04-01. Review status: criteria provided, single submitter. Criteria: CeGaT Center For Human Genetics Tuebingen Variant Classification Criteria Version 2. Collection method: clinical testing. Allele origin: germline. Affected: yes. Observed: 1 variant allele.
Comment: CHAF1B: BP4, BP7

NM_005441.3(CHAF1B):c.951G>A (p.Leu317=)

Gene: CHAF1B (chromatin assembly factor 1 subunit B; plus strand). Cytogenetic location: 21q22.13.
Variant type: single nucleotide variant.
Coding change: c.951G>A on transcript NM_005441.3 (MANE Select); coding-DNA position 951, G replaced by A.
Protein change: p.Leu317=; no amino-acid change (leucine 317 retained).
Molecular consequence: synonymous variant.
Genome position (GRCh38, 1-based): chr21:36,411,494, G>A. VCF-style: chr21-36411494-G-A. GRCh37 (hg19) VCF-style: chr21-37783792-G-A.
Identifiers: ClinVar variation 2652648 (VCV002652648.24), dbSNP rs113388736, ClinGen allele CA10018960.